The following is an entry in ClinVar:

ClinVar aggregate classification (germline): Uncertain significance (0 of 4 stars; one submission).

Conditions:
ERBB4-related disorder. Also called: ERBB4-related condition.

gnomAD v4.1: 24 of 1,613,918 alleles (0.0015%); highest among the groups gnomAD compares: East Asian, 0.0045%; no homozygotes.

Submission:

PreventionGenetics, part of Exact Sciences
Classification: Uncertain significance for ERBB4-related condition. Last evaluated: 2023-12-21. Review status: no assertion criteria provided. Collection method: clinical testing. Allele origin: germline.
Comment: The ERBB4 c.3307G>T variant is predicted to result in the amino acid substitution p.Asp1103Tyr. To our knowledge, this variant has not been reported in the literature. This variant is reported in 0.0054% of alleles in individuals of East Asian descent in gnomAD. At this time, the clinical significance of this variant is uncertain due to the absence of conclusive functional and genetic evidence.

NM_005235.3(ERBB4):c.3307G>T (p.Asp1103Tyr)

Gene: ERBB4 (erb-b2 receptor tyrosine kinase 4; minus strand). Cytogenetic location: 2q34.
Variant type: single nucleotide variant.
Coding change: c.3307G>T on transcript NM_005235.3 (MANE Select); coding-DNA position 3307, G replaced by T.
Protein change: p.Asp1103Tyr; replaces aspartic acid 1103 with tyrosine.
Molecular consequence: missense variant.
Genome position (GRCh38, 1-based): chr2:211,387,027, C>A on the plus strand (G>T on the coding strand, the complement: ERBB4 is on the minus strand). VCF-style: chr2-211387027-C-A. GRCh37 (hg19) VCF-style: chr2-212251752-C-A.
Other names: c.3259G>T, p.Asp1087Tyr (NM_001042599.2); short protein forms D1087Y, D1103Y.
Identifiers: ClinVar variation 3349722 (VCV003349722.1).
Genomic context (GRCh38, chr2:211,387,027, plus strand): 5'-TGTCCTCTTGGACATGGGGTGCCACTGGCTTGCGTAGGGTGCCATTACAGCAGGAGTCAT[C>A]AAAAATCTCAGCAGTAGCACCCTGTGCCACAGGAGCTTCTGGAATTGTGCTAGTTGGGGC-3'
Protein context (NP_005226.1, residues 1093-1113): VAQGATAEIF[Asp1103Tyr]DSCCNGTLRK